The following is an entry in ClinVar:

ClinVar aggregate classification (germline): Uncertain significance (1 of 4 stars; one submission).

gnomAD v4.1: 1 of 1,614,064 alleles (0.000062%); highest among the groups gnomAD compares: Non-Finnish European, 0.000085%; no homozygotes.

Submission:

Labcorp Genetics (formerly Invitae), Labcorp
Classification: Uncertain significance. Last evaluated: 2022-06-14. Review status: criteria provided, single submitter. Criteria: Invitae Variant Classification Sherloc (09022015). Collection method: clinical testing. Allele origin: germline.
Comment: This sequence change replaces isoleucine, which is neutral and non-polar, with valine, which is neutral and non-polar, at codon 2395 of the CDH23 protein (p.Ile2395Val). This variant is not present in population databases (gnomAD no frequency). This variant has not been reported in the literature in individuals affected with CDH23-related conditions. Algorithms developed to predict the effect of missense changes on protein structure and function output the following: SIFT: "Tolerated"; PolyPhen-2: "Not Available"; Align-GVGD: "Class C0". The valine amino acid residue is found in multiple mammalian species, which suggests that this missense change does not adversely affect protein function. In summary, the available evidence is currently insufficient to determine the role of this variant in disease. Therefore, it has been classified as a Variant of Uncertain Significance.

NM_022124.6(CDH23):c.7183A>G (p.Ile2395Val)

Gene: CDH23 (cadherin related 23; plus strand). Cytogenetic location: 10q22.1.
Variant type: single nucleotide variant.
Coding change: c.7183A>G on transcript NM_022124.6 (MANE Select); coding-DNA position 7183, A replaced by G.
Protein change: p.Ile2395Val; replaces isoleucine 2395 with valine.
Molecular consequence: missense variant.
Genome position (GRCh38, 1-based): chr10:71,799,239, A>G. VCF-style: chr10-71799239-A-G. GRCh37 (hg19) VCF-style: chr10-73558996-A-G.
Other names: c.463A>G, p.Ile155Val (NM_001171933.1, NM_001171934.1); short protein forms I2395V, I155V.
Identifiers: ClinVar variation 1950019 (VCV001950019.2), dbSNP rs369150664, ClinGen allele CA377158895.